The following is an entry in ClinVar:

NM_020458.4(TTC7A):c.2527G>C (p.Glu843Gln)

Gene: TTC7A (tetratricopeptide repeat domain 7A; plus strand). Cytogenetic location: 2p21.
Variant type: single nucleotide variant.
Coding change: c.2527G>C on transcript NM_020458.4 (MANE Select); coding-DNA position 2527, G replaced by C.
Protein change: p.Glu843Gln; replaces glutamic acid 843 with glutamine.
Molecular consequence: missense variant.
Genome position (GRCh38, 1-based): chr2:47,073,873, G>C. VCF-style: chr2-47073873-G-C. GRCh37 (hg19) VCF-style: chr2-47301012-G-C.
Other names: c.2599G>C, p.Glu867Gln (NM_001288951.2); c.2425G>C, p.Glu809Gln (NM_001288953.2); c.1465G>C, p.Glu489Gln (NM_001288955.2); short protein forms E843Q, E867Q, E489Q, E809Q.
Identifiers: ClinVar variation 1960256 (VCV001960256.5), dbSNP rs2465542154, ClinGen allele CA346718115.

ClinVar aggregate classification (germline): Uncertain significance (1 of 4 stars; one submission).

Conditions:
Multiple gastrointestinal atresias. Also called: FAMILIAL INTESTINAL POLYATRESIA SYNDROME; Multiple intestinal atresia. Identifiers: Orphanet 2300, MedGen C0220744, MONDO:0009465.

Submission:

Labcorp Genetics (formerly Invitae), Labcorp
Classification: Uncertain significance for Multiple gastrointestinal atresias. Last evaluated: 2021-12-18. Review status: criteria provided, single submitter. Criteria: Invitae Variant Classification Sherloc (09022015). Collection method: clinical testing. Allele origin: germline.
Comment: In summary, the available evidence is currently insufficient to determine the role of this variant in disease. Therefore, it has been classified as a Variant of Uncertain Significance. Algorithms developed to predict the effect of missense changes on protein structure and function are either unavailable or do not agree on the potential impact of this missense change (SIFT: "Deleterious"; PolyPhen-2: "Probably Damaging"; Align-GVGD: "Class C0"). This variant has not been reported in the literature in individuals affected with TTC7A-related conditions. This variant is not present in population databases (gnomAD no frequency). This sequence change replaces glutamic acid, which is acidic and polar, with glutamine, which is neutral and polar, at codon 843 of the TTC7A protein (p.Glu843Gln).